The following is an entry in ClinVar:

ClinVar aggregate classification (germline): Likely pathogenic (1 of 4 stars; one submission).

Submission:

Labcorp Genetics (formerly Invitae), Labcorp
Classification: Likely pathogenic. Last evaluated: 2019-12-27. Review status: criteria provided, single submitter. Criteria: Invitae Variant Classification Sherloc (09022015). Collection method: clinical testing. Allele origin: germline.
Comment: This variant results in the deletion of exons 36-40 and part of exon 41 (c.4852+797_5672del) of the MYO7A gene. It is expected to disrupt RNA splicing and likely results in an absent or disrupted protein product. This variant has not been reported in the literature in individuals with MYO7A-related conditions. Loss-of-function variants in MYO7A are known to be pathogenic (PMID: 8900236, 25404053). In summary, the currently available evidence indicates that the variant is pathogenic, but additional data are needed to prove that conclusively. Therefore, this variant has been classified as Likely Pathogenic.

NM_000260.4(MYO7A):c.4852+798_5673del

Gene: MYO7A (myosin VIIA; plus strand). Cytogenetic location: 11q13.5.
Variant type: Deletion.
Coding change: c.4852+798_5673del on transcript NM_000260.4 (MANE Select); 798 bases into the intron after coding-DNA position 4852 through coding-DNA position 5673, 5,518 bases deleted.
Molecular consequence: splice acceptor variant, splice donor variant.
Genome position (GRCh38, 1-based): chr11:77,200,616-77,206,133, 5,518 bases deleted. GRCh37 (hg19): chr11:76,911,661-76,917,178.
Other names: c.4705+798_5526del (NM_001369365.1); c.4738+798_5559del (NM_001127180.2).
Identifiers: ClinVar variation 842315 (VCV000842315.1), ClinGen allele CA916084108.